The following is an entry in ClinVar:

ClinVar aggregate classification (germline): Conflicting classifications of pathogenicity. Review status: criteria provided, conflicting classifications (1 of 4 stars). 2 submissions from 2 submitters: Uncertain significance (1); Likely benign (1). Last evaluated 2025-08-03.

Conditions:
Early-infantile DEE. Also called: Early infantile epileptic encephalopathy with suppression bursts; Early infantile epileptic encephalopathy; Ohtahara syndrome. Identifiers: Orphanet 1934, MedGen C0393706, MONDO:0800491.
Inborn genetic diseases. Identifiers: MedGen C0950123, MeSH D030342.

Allele frequency attached by ClinVar (database versions not stated): gnomAD exomes below 0.00001; TOPMed 0.00001; ExAC 0.00002; gnomAD 0.00002; 1000 Genomes Project 0.00020; 1000 Genomes Project 30x 0.00031.
gnomAD v4.1: 8 of 1,614,204 alleles (0.0005%); highest among the groups gnomAD compares: East Asian, 0.018%; no homozygotes.

Submissions (2):

Labcorp Genetics (formerly Invitae), Labcorp
Classification: Uncertain significance for Early-infantile DEE. Last evaluated: 2025-08-03. Review status: criteria provided, single submitter. Criteria: Invitae Variant Classification Sherloc (09022015). Collection method: clinical testing. Allele origin: germline.
Comment: This sequence change replaces leucine, which is neutral and non-polar, with valine, which is neutral and non-polar, at codon 127 of the SPTAN1 protein (p.Leu127Val). This variant is present in population databases (rs181402160, gnomAD 0.02%). This variant has not been reported in the literature in individuals affected with SPTAN1-related conditions. ClinVar contains an entry for this variant (Variation ID: 2262226). Invitae Evidence Modeling of protein sequence and biophysical properties (such as structural, functional, and spatial information, amino acid conservation, physicochemical variation, residue mobility, and thermodynamic stability) has been performed for this missense variant. However, the output from this modeling did not meet the statistical confidence thresholds required to predict the impact of this variant on SPTAN1 protein function. In summary, the available evidence is currently insufficient to determine the role of this variant in disease. Therefore, it has been classified as a Variant of Uncertain Significance.

Ambry Genetics
Classification: Likely benign for Inborn genetic diseases. Last evaluated: 2021-11-23. Review status: criteria provided, single submitter. Criteria: Ambry Variant Classification Scheme 2023. Collection method: clinical testing. Allele origin: germline.

NM_001130438.3(SPTAN1):c.379C>G (p.Leu127Val)

Gene: SPTAN1 (spectrin alpha, non-erythrocytic 1; plus strand). Cytogenetic location: 9q34.11.
Variant type: single nucleotide variant.
Coding change: c.379C>G on transcript NM_001130438.3 (MANE Select); coding-DNA position 379, C replaced by G.
Protein change: p.Leu127Val; replaces leucine 127 with valine.
Molecular consequence: missense variant.
Genome position (GRCh38, 1-based): chr9:128,574,690, C>G. VCF-style: chr9-128574690-C-G. GRCh37 (hg19) VCF-style: chr9-131336969-C-G.
Other names: c.379C>G, p.Leu127Val (NM_001195532.2, NM_001363759.2, NM_001363765.2 and 5 more transcripts); c.415C>G, p.Leu139Val (NM_001375312.2, NM_001375318.1); short protein forms L139V, L127V.
Identifiers: ClinVar variation 2262226 (VCV002262226.3), dbSNP rs181402160, ClinGen allele CA5264164.
Genomic context (GRCh38, chr9:128,574,690, plus strand): 5'-AGAGCCAGTTGTGATCTGATTAAAACTCTGATTTGAAACTTTCAGACCCGTTTGATGGAG[C>G]TGCACCGCCAGTGGGAATTACTTTTGGAGAAGATGCGAGAAAAAGGAATCAAACTGCTGC-3'
Protein context (NP_001123910.1, residues 117-137): SETIRTRLME[Leu127Val]HRQWELLLEK